The following is an entry in ClinVar:

NM_000222.3(KIT):c.2611C>A (p.Pro871Thr)

Gene: KIT (KIT proto-oncogene, receptor tyrosine kinase; plus strand). Cytogenetic location: 4q12.
Variant type: single nucleotide variant.
Coding change: c.2611C>A on transcript NM_000222.3 (MANE Select); coding-DNA position 2611, C replaced by A.
Protein change: p.Pro871Thr; replaces proline 871 with threonine.
Molecular consequence: missense variant.
Genome position (GRCh38, 1-based): chr4:54,736,735, C>A. VCF-style: chr4-54736735-C-A. GRCh37 (hg19) VCF-style: chr4-55602901-C-A.
Other names: c.2608C>A, p.Pro870Thr (NM_001385285.1); c.2596C>A, p.Pro866Thr (NM_001385286.1); c.2602C>A, p.Pro868Thr (NM_001385288.1); c.2611C>A, p.Pro871Thr (NM_001385290.1); c.2599C>A, p.Pro867Thr (NM_001385292.1, NM_001093772.2); c.2614C>A, p.Pro872Thr (NM_001385284.1); short protein forms P866T, P867T, P868T, P870T, P871T, P872T.
Identifiers: ClinVar variation 1022152 (VCV001022152.9), dbSNP rs1722941120, ClinGen allele CA356913640.

ClinVar aggregate classification (germline): Uncertain significance (1 of 4 stars; one submission).

Conditions:
Gastrointestinal stromal tumor. Also called: Gastrointestinal stromal tumor, somatic; Gastrointestinal stroma tumor. Identifiers: Orphanet 44890, MedGen C0238198, MeSH D046152, MONDO:0011719, OMIM 606764, HP:0100723.

Submission:

Labcorp Genetics (formerly Invitae), Labcorp
Classification: Uncertain significance for Gastrointestinal stromal tumor. Last evaluated: 2023-06-14. Review status: criteria provided, single submitter. Criteria: Invitae Variant Classification Sherloc (09022015). Collection method: clinical testing. Allele origin: germline.
Comment: This sequence change replaces proline, which is neutral and non-polar, with threonine, which is neutral and polar, at codon 871 of the KIT protein (p.Pro871Thr). This variant is not present in population databases (gnomAD no frequency). This variant has not been reported in the literature in individuals affected with KIT-related conditions. ClinVar contains an entry for this variant (Variation ID: 1022152). An algorithm developed to predict the effect of missense changes on protein structure and function (PolyPhen-2) suggests that this variant is likely to be disruptive. In summary, the available evidence is currently insufficient to determine the role of this variant in disease. Therefore, it has been classified as a Variant of Uncertain Significance.